The following is an entry in ClinVar:

NM_021072.4(HCN1):c.1233T>G (p.Tyr411Ter)

Gene: HCN1 (hyperpolarization activated cyclic nucleotide gated potassium channel 1; minus strand). Cytogenetic location: 5p12.
Variant type: single nucleotide variant.
Coding change: c.1233T>G on transcript NM_021072.4 (MANE Select); coding-DNA position 1233, T replaced by G.
Protein change: p.Tyr411Ter; replaces tyrosine 411 with a stop codon.
Molecular consequence: nonsense.
Genome position (GRCh38, 1-based): chr5:45,353,244, A>C on the plus strand (T>G on the coding strand, the complement: HCN1 is on the minus strand). VCF-style: chr5-45353244-A-C. GRCh37 (hg19) VCF-style: chr5-45353346-A-C.
Other names: c.1233T>G (NM_021072.3); short protein forms Y411*.
Identifiers: ClinVar variation 2858348 (VCV002858348.4), dbSNP rs2478391873, ClinGen allele CA359702295.

ClinVar aggregate classification (germline): Uncertain significance. Review status: criteria provided, multiple submitters, no conflicts (2 of 4 stars). 2 submissions from 2 submitters: Uncertain significance (2). Last evaluated 2023-06-26.

Conditions:
Early-infantile DEE. Also called: Ohtahara syndrome; Early infantile epileptic encephalopathy with suppression bursts; Early infantile epileptic encephalopathy. Identifiers: Orphanet 1934, MedGen C0393706, MONDO:0800491.

Submissions (2):

GeneDx
Classification: Uncertain significance. Last evaluated: 2023-06-26. Review status: criteria provided, single submitter. Criteria: GeneDx Variant Classification Process June 2021. Collection method: clinical testing. Allele origin: germline. Affected: yes.
Comment: Nonsense variant predicted to result in protein truncation or nonsense mediated decay in a gene or region of a gene for which loss of function is not a well-established mechanism of disease; Not observed at significant frequency in large population cohorts (gnomAD); Has not been previously published as pathogenic or benign to our knowledge

Labcorp Genetics (formerly Invitae), Labcorp
Classification: Uncertain significance for Early-infantile DEE. Last evaluated: 2023-04-22. Review status: criteria provided, single submitter. Criteria: Invitae Variant Classification Sherloc (09022015). Collection method: clinical testing. Allele origin: germline.
Comment: This variant is not present in population databases (gnomAD no frequency). This sequence change creates a premature translational stop signal (p.Tyr411*) in the HCN1 gene. It is expected to result in an absent or disrupted protein product. However, the current clinical and genetic evidence is not sufficient to establish whether loss-of-function variants in HCN1 cause disease. This variant has not been reported in the literature in individuals affected with HCN1-related conditions. In summary, the available evidence is currently insufficient to determine the role of this variant in disease. Therefore, it has been classified as a Variant of Uncertain Significance. Algorithms developed to predict the effect of sequence changes on RNA splicing suggest that this variant may create or strengthen a splice site.